The following is an entry in ClinVar:

ClinVar aggregate classification (germline): Uncertain significance. Review status: criteria provided, multiple submitters, no conflicts (2 of 4 stars). 3 submissions from 3 submitters: Uncertain significance (3). Last evaluated 2024-12-12.

Conditions:
Immunodeficiency 104. Also called: Severe combined immunodeficiency, autosomal recessive, T cell-negative, B cell-positive, NK cell-positive; SCID, AUTOSOMAL RECESSIVE, T CELL-NEGATIVE, B CELL-POSITIVE, NK CELL-POSITIVE; Severe Combined Immune Deficiency, Autosomal Recessive, TCell -Negative, B Cell-Positive, NK Cell-Positive, IL7R-Related; IMMUNODEFICIENCY 104, SEVERE COMBINED. Identifiers: MedGen C5676890, MONDO:0012163, OMIM 608971.

Allele frequency attached by ClinVar (database versions not stated): gnomAD 0.00001; TOPMed 0.00003; ExAC 0.00015.
gnomAD v4.1: 33 of 1,612,228 alleles (0.002%); highest among the groups gnomAD compares: East Asian, 0.049%; no homozygotes.

Submissions (3):

Labcorp Genetics (formerly Invitae), Labcorp
Classification: Uncertain significance for Immunodeficiency 104. Last evaluated: 2024-12-12. Review status: criteria provided, single submitter. Criteria: Invitae Variant Classification Sherloc (09022015). Collection method: clinical testing. Allele origin: germline.
Comment: This sequence change replaces arginine, which is basic and polar, with tryptophan, which is neutral and slightly polar, at codon 140 of the IL7R protein (p.Arg140Trp). This variant is present in population databases (rs773491081, gnomAD 0.2%). This variant has not been reported in the literature in individuals affected with IL7R-related conditions. ClinVar contains an entry for this variant (Variation ID: 907133). Invitae Evidence Modeling of protein sequence and biophysical properties (such as structural, functional, and spatial information, amino acid conservation, physicochemical variation, residue mobility, and thermodynamic stability) indicates that this missense variant is expected to disrupt IL7R protein function with a positive predictive value of 95%. In summary, the available evidence is currently insufficient to determine the role of this variant in disease. Therefore, it has been classified as a Variant of Uncertain Significance.

Blueprint Genetics
Classification: Uncertain significance. Last evaluated: 2024-05-30. Review status: criteria provided, single submitter. Criteria: ACMG Guidelines, 2015. Collection method: clinical testing. Allele origin: germline.

Illumina Laboratory Services, Illumina
Classification: Uncertain significance for Immunodeficiency 104. Last evaluated: 2018-01-13. Review status: criteria provided, single submitter. Criteria: ICSL Variant Classification Criteria 13 December 2019. Collection method: clinical testing. Allele origin: germline.

NM_002185.5(IL7R):c.418C>T (p.Arg140Trp)

Gene: IL7R (interleukin 7 receptor; plus strand). Cytogenetic location: 5p13.2.
Variant type: single nucleotide variant.
Coding change: c.418C>T on transcript NM_002185.5 (MANE Select); coding-DNA position 418, C replaced by T.
Protein change: p.Arg140Trp; replaces arginine 140 with tryptophan.
Molecular consequence: missense variant. On other transcripts: non-coding transcript variant (1).
Genome position (GRCh38, 1-based): chr5:35,871,094, C>T. VCF-style: chr5-35871094-C-T. GRCh37 (hg19) VCF-style: chr5-35871196-C-T.
Other names: short protein forms R140W.
Identifiers: ClinVar variation 907133 (VCV000907133.8), dbSNP rs773491081, ClinGen allele CA3231966.